The following is an entry in ClinVar:

ClinVar aggregate classification (germline): Conflicting classifications of pathogenicity. Review status: criteria provided, conflicting classifications (1 of 4 stars). 12 submissions from 12 submitters: Uncertain significance (8); Likely benign (2). 2 of the submissions do not count toward it. Last evaluated 2026-05-26.

Conditions:
USH1G-related disorder. Also called: USH1G-related disorders; USH1G-related condition.
Usher syndrome type 1G. Also called: USHER SYNDROME, TYPE IG, MILD. Identifiers: Orphanet 231169, Orphanet 886, MedGen C1847089, MONDO:0011748, OMIM 606943.
Optic atrophy. Identifiers: MedGen C0029124, MONDO:0003608, HP:0000648.

Allele frequency attached by ClinVar (database versions not stated): gnomAD 0.00062 and 0.00065; TOPMed 0.00070; gnomAD exomes 0.00076; ESP Exome Variant Server 0.00108.

Submissions (12):

PreventionGenetics, part of Exact Sciences
Classification: Uncertain significance for USH1G-related condition. Last evaluated: 2026-05-26. Review status: criteria provided, single submitter. Criteria: ACMG Guidelines, 2015. Collection method: clinical testing. Allele origin: germline.
Comment: The USH1G c.83C>T variant is predicted to result in the amino acid substitution p.Pro28Leu. This variant has been reported in a single patient with retinitis pigmentosa; however, no additional evidence was provided to support its pathogeniticity (Table 2, Haer-Wigman et al. 2017. PubMed ID: 28224992). This variant was also reported in additional individual with Usher syndrome and was assessed as likely benign (Table S3, Le Quesne Stabej et al. 2011. PubMed ID: 22135276). This variant is reported in 0.15% of alleles in individuals of European (Non-Finnish) descent in gnomAD, which may be higher than expected for causative variant. Although we suspect that this variant may be benign, at this time, the clinical significance of this variant is uncertain due to the absence of conclusive functional and genetic evidence.

Blueprint Genetics
Classification: Likely benign. Last evaluated: 2024-10-01. Review status: criteria provided, single submitter. Criteria: ACMG Guidelines, 2015. Collection method: clinical testing. Allele origin: germline.

Institute of Human Genetics, Univ. Regensburg, Univ. Regensburg
Classification: Uncertain significance for Optic atrophy. Last evaluated: 2023-01-01. Review status: criteria provided, single submitter. Criteria: ACMG Guidelines, 2015. Collection method: clinical testing. Allele origin: germline. Affected: yes.

Labcorp Genetics (formerly Invitae), Labcorp
Classification: Uncertain significance. Last evaluated: 2022-10-17. Review status: criteria provided, single submitter. Criteria: Invitae Variant Classification Sherloc (09022015). Collection method: clinical testing. Allele origin: germline.
Comment: This sequence change replaces proline, which is neutral and non-polar, with leucine, which is neutral and non-polar, at codon 28 of the USH1G protein (p.Pro28Leu). This variant is present in population databases (rs145448362, gnomAD 0.1%), and has an allele count higher than expected for a pathogenic variant. This missense change has been observed in individual(s) with Usher syndrome or retinitis pigmentosa (PMID: 17896313, 22135276, 28224992). ClinVar contains an entry for this variant (Variation ID: 48139). Advanced modeling of protein sequence and biophysical properties (such as structural, functional, and spatial information, amino acid conservation, physicochemical variation, residue mobility, and thermodynamic stability) performed at Invitae indicates that this missense variant is not expected to disrupt USH1G protein function. In summary, the available evidence is currently insufficient to determine the role of this variant in disease. Therefore, it has been classified as a Variant of Uncertain Significance.

ARUP Laboratories, Molecular Genetics and Genomics, ARUP Laboratories
Classification: Uncertain significance for Usher syndrome type 1G. Last evaluated: 2021-07-30. Review status: criteria provided, single submitter. Criteria: ARUP Molecular Germline Variant Investigation Process 2021. Collection method: clinical testing. Allele origin: germline.
Comment: The USH1G c.83C>T; p.Pro28Leu variant (rs145448362) is reported in the literature in several individuals affected with Usher syndrome or retinitis pigmentosa, although a second variant was not reported in any individuals (Aller 2007, Haer-Wigman 2017, Le Quesne Stabej 2012). This variant is found in the non-Finnish European population with an overall allele frequency of 0.15% (138/91578 alleles) in the Genome Aggregation Database. The proline at codon 28 is highly conserved, and computational analyses are uncertain whether this variant is neutral or deleterious (REVEL: 0.353). Due to limited information, the clinical significance of the p.Pro28Leu variant is uncertain at this time. References: Aller et al. Screening of the USH1G gene among Spanish patients with Usher syndrome. Lack of mutations and evidence of a minor role in the pathogenesis of the syndrome. Ophthalmic Genet. 2007 Sep;28(3):151-5. PMID: 17896313. Haer-Wigman et al. Diagnostic exome sequencing in 266 Dutch patients with visual impairment. Eur J Hum Genet. 2017 May;25(5):591-599. PMID: 28224992. Le Quesne Stabej et al. Comprehensive sequence analysis of nine Usher syndrome genes in the UK National Collaborative Usher Study. J Med Genet. 2012 Jan;49(1):27-36. PMID: 22135276.

Department of Pathology and Laboratory Medicine, Sinai Health System
Classification: Uncertain significance for Usher syndrome type 1G. Last evaluated: 2021-07-30. Review status: criteria provided, single submitter. Criteria: ACMG Guidelines, 2015. Collection method: research. Allele origin: germline.

GeneDx
Classification: Likely benign. Last evaluated: 2020-05-12. Review status: criteria provided, single submitter. Criteria: GeneDx Variant Classification Process June 2021. Collection method: clinical testing. Allele origin: germline. Affected: yes.
Comment: This variant is associated with the following publications: (PMID: 17896313, 28224992)

Laboratory for Molecular Medicine, Mass General Brigham Personalized Medicine
Classification: Uncertain significance. Last evaluated: 2020-04-07. Review status: criteria provided, single submitter. Criteria: LMM Criteria. Collection method: clinical testing. Allele origin: germline. Observed: 4 variant alleles.
Comment: Variant classified as Uncertain Significance - Favor Benign. The p.Pro28Leu variant in USH1G has been reported in the heterozygous state in two individuals with Usher syndrome type 2 (Aller 2007), one individual with retinitis pigmentosa (Haer-Wigman, 2017), and three children with apparently nonsyndromic hearing loss (LMM data). It has also been identified in 0.15% (138/91578) of Europeans chromosomes by gnomAD and has been reported as likely benign by a clinical lab in ClinVar (Variation ID 48139). Computational prediction tools and conservation analyses do not provide strong support for or against an impact to the protein. In summary, while the clinical significance of this variant is uncertain, its frequency suggests that it is more likely to be benign. ACMG/AMP Criteria applied: BS1_Supporting.

Illumina Laboratory Services, Illumina
Classification: Uncertain significance for Usher syndrome type 1G. Last evaluated: 2017-04-28. Review status: criteria provided, single submitter. Criteria: ICSL Variant Classification Criteria 13 December 2019. Collection method: clinical testing. Allele origin: germline.
Comment: This variant was observed as part of a predisposition screen in an ostensibly healthy population. A literature search was performed for the gene, cDNA change, and amino acid change (where applicable). Publications were found based on this search. However, the evidence from the literature, in combination with allele frequency data from public databases where available, was not sufficient to rule this variant in or out of causing disease. Therefore, this variant is classified as a variant of unknown significance.

Center for Pediatric Genomic Medicine, Children's Mercy Hospital and Clinics
Classification: Uncertain significance. Last evaluated: 2017-01-25. Review status: criteria provided, single submitter. Criteria: ACMG Guidelines, 2015. Collection method: clinical testing. Allele origin: germline.
ClinVar note: Converted during submission from Uncertain Significance to Uncertain significance.

Clinical Genetics DNA and cytogenetics Diagnostics Lab, Erasmus MC, Erasmus Medical Center
Classification: Uncertain significance. Review status: no assertion criteria provided. Collection method: clinical testing. Allele origin: germline. Affected: yes. Study: VKGL Data-share Consensus. Not counted in ClinVar's aggregate classification.

Joint Genome Diagnostic Labs from Nijmegen and Maastricht, Radboudumc and MUMC+
Classification: Uncertain significance. Review status: no assertion criteria provided. Collection method: clinical testing. Allele origin: germline. Affected: yes. Study: VKGL Data-share Consensus. Not counted in ClinVar's aggregate classification.

Literature cited by the submitters: PubMed 28224992 (cited by 3 submitters); PubMed 3442652 (cited by Institute of Human Genetics, Univ. Regensburg, Univ. Regensburg); PubMed 17896313 (cited by 3 submitters); PubMed 22135276 (cited by Labcorp Genetics (formerly Invitae), Labcorp).

NM_173477.5(USH1G):c.83C>T (p.Pro28Leu)

Gene: USH1G (USH1 protein network component sans; minus strand). Cytogenetic location: 17q25.1.
Variant type: single nucleotide variant.
Coding change: c.83C>T on transcript NM_173477.5 (MANE Select); coding-DNA position 83, C replaced by T.
Protein change: p.Pro28Leu; replaces proline 28 with leucine.
Molecular consequence: missense variant. On other transcripts: 5 prime UTR variant (1).
Genome position (GRCh38, 1-based): chr17:74,922,991, G>A on the plus strand (C>T on the coding strand, the complement: USH1G is on the minus strand). VCF-style: chr17-74922991-G-A. GRCh37 (hg19) VCF-style: chr17-72919086-G-A.
Other names: c.-174C>T (NM_001282489.3); short protein forms P28L.
Identifiers: ClinVar variation 48139 (VCV000048139.30), dbSNP rs145448362, ClinGen allele CA142670.